The following is an entry in ClinVar:

ClinVar aggregate classification (germline): Conflicting classifications of pathogenicity. Review status: criteria provided, conflicting classifications (1 of 4 stars). 6 submissions from 6 submitters: Uncertain significance (5); Likely benign (1). Last evaluated 2025-01-22.

Conditions:
Hereditary breast ovarian cancer syndrome. Also called: Hereditary breast and ovarian cancer syndrome (HBOC); Hereditary breast and ovarian cancer; BRCA1- and BRCA2-Associated Hereditary Breast and Ovarian Cancer; Breast and ovarian cancer; Hereditary breast and ovarian cancer syndrome; Hereditary breast and/or ovarian cancer syndrome. Identifiers: Orphanet 145, MedGen C0677776, MeSH D061325, MONDO:0003582. Disease mechanism: loss of function.
Breast-ovarian cancer, familial, susceptibility to, 1 (BROVCA1). Also called: OVARIAN CANCER, SUSCEPTIBILITY TO; BRCA1 Hereditary Breast and Ovarian Cancer. Identifiers: Orphanet 145, MedGen C2676676, MONDO:0011450, OMIM 604370. Disease mechanism: loss of function.
Hereditary cancer-predisposing syndrome. Also called: Hereditary neoplastic syndrome; Tumor predisposition; Hereditary Cancer Syndrome; Neoplastic Syndromes, Hereditary. Identifiers: Orphanet 140162, MedGen C0027672, MeSH D009386, MONDO:0015356.

Allele frequency attached by ClinVar (database versions not stated): gnomAD exomes below 0.00001; TOPMed 0.00001.
gnomAD v4.1: 3 of 1,613,664 alleles (0.00019%); highest among the groups gnomAD compares: Non-Finnish European, 0.00025%; no homozygotes.

Submissions (6):

Labcorp Genetics (formerly Invitae), Labcorp
Classification: Uncertain significance for Hereditary breast ovarian cancer syndrome. Last evaluated: 2025-01-22. Review status: criteria provided, single submitter. Criteria: Invitae Variant Classification Sherloc (09022015). Collection method: clinical testing. Allele origin: germline.
Comment: This sequence change replaces glycine, which is neutral and non-polar, with aspartic acid, which is acidic and polar, at codon 559 of the BRCA1 protein (p.Gly559Asp). This variant is not present in population databases (gnomAD no frequency). This variant has not been reported in the literature in individuals affected with BRCA1-related conditions. ClinVar contains an entry for this variant (Variation ID: 630049). Invitae Evidence Modeling of protein sequence and biophysical properties (such as structural, functional, and spatial information, amino acid conservation, physicochemical variation, residue mobility, and thermodynamic stability) indicates that this missense variant is not expected to disrupt BRCA1 protein function with a negative predictive value of 80%. In summary, the available evidence is currently insufficient to determine the role of this variant in disease. Therefore, it has been classified as a Variant of Uncertain Significance.

Ambry Genetics
Classification: Uncertain significance for Hereditary cancer-predisposing syndrome. Last evaluated: 2024-01-09. Review status: criteria provided, single submitter. Criteria: Ambry Variant Classification Scheme 2023. Collection method: clinical testing. Allele origin: germline.
Comment: The p.G559D variant (also known as c.1676G>A), located in coding exon 9 of the BRCA1 gene, results from a G to A substitution at nucleotide position 1676. The glycine at codon 559 is replaced by aspartic acid, an amino acid with similar properties. This amino acid position is not well conserved in available vertebrate species. In addition, the in silico prediction for this alteration is inconclusive. Since supporting evidence is limited at this time, the clinical significance of this alteration remains unclear.

University of Washington Department of Laboratory Medicine, University of Washington
Classification: Likely benign for Hereditary cancer-predisposing syndrome. Last evaluated: 2023-03-23. Review status: criteria provided, single submitter. Criteria: Dines et al. (Genet Med. 2020). Collection method: curation. Allele origin: germline.
Comment: Missense variant in a coldspot region where missense variants are very unlikely to be pathogenic (PMID:31911673).

BRCA1 coldspot (exon 11 using historical exon numbering). Reclassification based on statistical prior probability

Baylor Genetics
Classification: Uncertain significance for Breast-ovarian cancer, familial, susceptibility to, 1. Last evaluated: 2022-01-12. Review status: criteria provided, single submitter. Criteria: ACMG Guidelines, 2015. Collection method: clinical testing. Allele origin: maternal. Affected: yes. Study: CSER-TexasKidsCanSeq.
Comment: This variant was determined to be of uncertain significance according to ACMG Guidelines, 2015 [PMID:25741868].

GeneDx
Classification: Uncertain significance. Last evaluated: 2020-02-21. Review status: criteria provided, single submitter. Criteria: GeneDx Variant Classification Process June 2021. Collection method: clinical testing. Allele origin: germline. Affected: yes.
Comment: Not observed in large population cohorts (Lek et al., 2016); In silico analysis supports that this missense variant has a deleterious effect on protein structure/function; Has not been previously published as pathogenic or benign to our knowledge; Also known as 1795G>A

Color Diagnostics, LLC DBA Color Health
Classification: Uncertain significance for Hereditary cancer-predisposing syndrome. Last evaluated: 2019-05-02. Review status: criteria provided, single submitter. Criteria: ACMG Guidelines, 2015. Collection method: clinical testing. Allele origin: germline.

NM_007294.4(BRCA1):c.1676G>A (p.Gly559Asp)

Gene: BRCA1 (BRCA1 DNA repair associated; minus strand). Cytogenetic location: 17q21.31.
Variant type: single nucleotide variant.
Coding change: c.1676G>A on transcript NM_007294.4 (MANE Select); coding-DNA position 1676, G replaced by A.
Protein change: p.Gly559Asp; replaces glycine 559 with aspartic acid.
Molecular consequence: missense variant. On other transcripts: intron variant (137).
Genome position (GRCh38, 1-based): chr17:43,093,855, C>T on the plus strand (G>A on the coding strand, the complement: BRCA1 is on the minus strand). VCF-style: chr17-43093855-C-T. GRCh37 (hg19) VCF-style: chr17-41245872-C-T.
Other names: c.1463G>A, p.Gly488Asp (NM_001407571.1, NM_001407896.1, NM_001407897.1 and 9 more transcripts); c.1676G>A, p.Gly559Asp (NM_001407581.1, NM_001407582.1, NM_001407583.1 and 30 more transcripts); c.1673G>A, p.Gly558Asp (NM_001407587.1, NM_001407590.1, NM_001407591.1 and 22 more transcripts); c.1667G>A, p.Gly556Asp (NM_001407646.1, NM_001407647.1); c.1553G>A, p.Gly518Asp (NM_001407648.1, NM_001407666.1, NM_001407667.1 and 19 more transcripts); c.1550G>A, p.Gly517Asp (NM_001407649.1, NM_001407670.1, NM_001407671.1 and 11 more transcripts); c.1598G>A, p.Gly533Asp (NM_001407653.1, NM_001407654.1, NM_001407655.1 and 4 more transcripts); c.1535G>A, p.Gly512Asp (NM_001407692.1, NM_001407694.1, NM_001407730.1 and 29 more transcripts); and 40 more; short protein forms G559D, G512D, G263D, G447D, G491D, G532D, G558D, G391D.
Identifiers: ClinVar variation 630049 (VCV000630049.20), dbSNP rs80356980, ClinGen allele CA10598680.